The following is an entry in ClinVar:

NM_021625.5(TRPV4):c.87G>C (p.Glu29Asp)

Gene: TRPV4 (transient receptor potential cation channel subfamily V member 4; minus strand). Cytogenetic location: 12q24.11.
Variant type: single nucleotide variant.
Coding change: c.87G>C on transcript NM_021625.5 (MANE Select); coding-DNA position 87, G replaced by C.
Protein change: p.Glu29Asp; replaces glutamic acid 29 with aspartic acid.
Molecular consequence: missense variant. On other transcripts: intron variant (1).
Genome position (GRCh38, 1-based): chr12:109,814,710, C>G on the plus strand (G>C on the coding strand, the complement: TRPV4 is on the minus strand). VCF-style: chr12-109814710-C-G. GRCh37 (hg19) VCF-style: chr12-110252515-C-G.
Other names: c.87G>C, p.Glu29Asp (NM_001177428.2, NM_001177433.2, NM_147204.3); c.79+8G>C (NM_001177431.1); short protein forms E29D.
Identifiers: ClinVar variation 4795319 (VCV004795319.1).

ClinVar aggregate classification (germline): Uncertain significance (1 of 4 stars; one submission).

gnomAD v4.1: 1 of 1,606,542 alleles (0.000062%); no homozygotes.

Submission:

GeneDx
Classification: Uncertain significance. Last evaluated: 2025-08-14. Review status: criteria provided, single submitter. Criteria: GeneDx Variant Classification Process June 2021. Collection method: clinical testing. Allele origin: germline. Affected: yes.
Comment: Not observed at significant frequency in large population cohorts (gnomAD); In silico analysis suggests that this missense variant does not alter protein structure/function; Has not been previously published as pathogenic or benign to our knowledge